The following is an entry in ClinVar:

ClinVar aggregate classification (germline): Uncertain significance. Review status: criteria provided, multiple submitters, no conflicts (2 of 4 stars). 2 submissions from 2 submitters: Uncertain significance (2). Last evaluated 2025-08-13.

Conditions:
Familial thoracic aortic aneurysm and aortic dissection (TAAD). Also called: Thoracic aortic aneurysms and dissections. Identifiers: Orphanet 91387, MedGen C4707243, MONDO:0019625.
Aortic aneurysm, familial thoracic 4 (AAT4). Also called: AORTIC ANEURYSM/AORTIC DISSECTION AND PATENT DUCTUS ARTERIOSUS. Identifiers: MedGen C1851504, MONDO:0007568, OMIM 132900.

gnomAD v4.1: 7 of 1,612,756 alleles (0.00043%); highest among the groups gnomAD compares: East Asian, 0.0067%; no homozygotes.

Submissions (2):

Ambry Genetics
Classification: Uncertain significance for Familial thoracic aortic aneurysm and aortic dissection. Last evaluated: 2025-08-13. Review status: criteria provided, single submitter. Criteria: Ambry Variant Classification Scheme 2023. Collection method: clinical testing. Allele origin: germline.
Comment: The p.R910Q variant (also known as c.2729G>A), located in coding exon 21 of the MYH11 gene, results from a G to A substitution at nucleotide position 2729. The arginine at codon 910 is replaced by glutamine, an amino acid with highly similar properties. This variant has been reported in a cardiomyopathy cohort (Tobita T et al. Sci Rep, 2018 Jan;8:1998). This amino acid position is highly conserved in available vertebrate species. In addition, this alteration is predicted to be deleterious by in silico analysis. Based on the available evidence, the clinical significance of this variant remains unclear.

Labcorp Genetics (formerly Invitae), Labcorp
Classification: Uncertain significance for Aortic aneurysm, familial thoracic 4. Last evaluated: 2025-03-24. Review status: criteria provided, single submitter. Criteria: Invitae Variant Classification Sherloc (09022015). Collection method: clinical testing. Allele origin: germline.
Comment: This sequence change replaces arginine, which is basic and polar, with glutamine, which is neutral and polar, at codon 917 of the MYH11 protein (p.Arg917Gln). This variant is not present in population databases (gnomAD no frequency). This variant has not been reported in the literature in individuals affected with MYH11-related conditions. Invitae Evidence Modeling of protein sequence and biophysical properties (such as structural, functional, and spatial information, amino acid conservation, physicochemical variation, residue mobility, and thermodynamic stability) indicates that this missense variant is not expected to disrupt MYH11 protein function with a negative predictive value of 95%. In summary, the available evidence is currently insufficient to determine the role of this variant in disease. Therefore, it has been classified as a Variant of Uncertain Significance.

Literature cited by the submitters: PubMed 29386531 (cited by Ambry Genetics).

NM_002474.3(MYH11):c.2729G>A (p.Arg910Gln)

Gene: MYH11 (myosin heavy chain 11; minus strand). Cytogenetic location: 16p13.11.
Variant type: single nucleotide variant.
Coding change: c.2729G>A on transcript NM_002474.3 (MANE Select); coding-DNA position 2729, G replaced by A.
Protein change: p.Arg910Gln; replaces arginine 910 with glutamine.
Molecular consequence: missense variant.
Genome position (GRCh38, 1-based): chr16:15,741,593, C>T on the plus strand (G>A on the coding strand, the complement: MYH11 is on the minus strand). VCF-style: chr16-15741593-C-T. GRCh37 (hg19) VCF-style: chr16-15835450-C-T.
Other names: c.2750G>A, p.Arg917Gln (NM_001040113.2, NM_001040114.2); c.2729G>A, p.Arg910Gln (NM_022844.3); c.2729G>A (NM_002474.2); short protein forms R910Q, R917Q.
Identifiers: ClinVar variation 3612156 (VCV003612156.3).